The following is an entry in ClinVar:

NM_001395656.1(ROBO2):c.*699G>T

Gene: ROBO2 (roundabout guidance receptor 2; plus strand). Cytogenetic location: 3p12.3.
Variant type: single nucleotide variant.
Coding change: c.*699G>T on transcript NM_001395656.1 (MANE Select); 699 bases downstream of the stop codon, G replaced by T.
Molecular consequence: 3 prime UTR variant.
Genome position (GRCh38, 1-based): chr3:77,646,754, G>T. VCF-style: chr3-77646754-G-T. GRCh37 (hg19) VCF-style: chr3-77695905-G-T.
Other names: c.*699G>T (NM_001128929.3, NM_001290039.2, NM_001290040.2 and 14 more transcripts); c.*696G>T (NM_001378194.1, NM_001378196.1, NM_001378199.1 and 3 more transcripts).
Identifiers: ClinVar variation 346721 (VCV000346721.6), dbSNP rs564667813, ClinGen allele CA10617466.

ClinVar aggregate classification (germline): Benign (1 of 4 stars; one submission).

Conditions:
Vesicoureteral reflux 2 (VUR2). Identifiers: Orphanet 289365, MedGen C1970483, MONDO:0012573, OMIM 610878.

Allele frequency attached by ClinVar (database versions not stated): gnomAD 0.00001 and 0.00009; TOPMed 0.00001; 1000 Genomes Project 30x 0.00047; 1000 Genomes Project 0.00060.

Submission:

Illumina Laboratory Services, Illumina
Classification: Benign for Vesicoureteral reflux 2. Last evaluated: 2018-01-13. Review status: criteria provided, single submitter. Criteria: ICSL Variant Classification Criteria 13 December 2019. Collection method: clinical testing. Allele origin: germline.
Comment: This variant was observed in the ICSL laboratory as part of a predisposition screen in an ostensibly healthy population. It had not been previously curated by ICSL or reported in the Human Gene Mutation Database (HGMD: prior to June 1st, 2018), and was therefore a candidate for classification through an automated scoring system. Utilizing variant allele frequency, disease prevalence and penetrance estimates, and inheritance mode, an automated score was calculated to assess if this variant is too frequent to cause the disease. Based on the score and internal cut-off values, a variant classified as benign is not then subjected to further curation. The score for this variant resulted in a classification of benign for this disease.